The following is an entry in ClinVar:

ClinVar aggregate classification (germline): Uncertain significance (1 of 4 stars; one submission).

Allele frequency attached by ClinVar (database versions not stated): ExAC 0.00006; gnomAD exomes 0.00008 and 0.00023; gnomAD 0.00010; TOPMed 0.00011; ESP Exome Variant Server 0.00015.
gnomAD v4.1: 364 of 1,613,726 alleles (0.023%); highest among the groups gnomAD compares: Non-Finnish European, 0.029%; 1 homozygote.

Submission:

Labcorp Genetics (formerly Invitae), Labcorp
Classification: Uncertain significance. Last evaluated: 2025-12-29. Review status: criteria provided, single submitter. Criteria: Invitae Variant Classification Sherloc (09022015). Collection method: clinical testing. Allele origin: germline.
Comment: This sequence change replaces methionine, which is neutral and non-polar, with isoleucine, which is neutral and non-polar, at codon 460 of the ANGPT1 protein (p.Met460Ile). This variant is present in population databases (rs200481277, gnomAD 0.02%). This variant has not been reported in the literature in individuals affected with ANGPT1-related conditions. ClinVar contains an entry for this variant (Variation ID: 1525610). An algorithm developed to predict the effect of missense changes on protein structure and function (PolyPhen-2) suggests that this variant is likely to be tolerated. In summary, the available evidence is currently insufficient to determine the role of this variant in disease. Therefore, it has been classified as a Variant of Uncertain Significance.

NM_001146.5(ANGPT1):c.1380G>A (p.Met460Ile)

Gene: ANGPT1 (angiopoietin 1; minus strand). Cytogenetic location: 8q23.1.
Variant type: single nucleotide variant.
Coding change: c.1380G>A on transcript NM_001146.5 (MANE Select); coding-DNA position 1380, G replaced by A.
Protein change: p.Met460Ile; replaces methionine 460 with isoleucine.
Molecular consequence: missense variant.
Genome position (GRCh38, 1-based): chr8:107,251,972, C>T on the plus strand (G>A on the coding strand, the complement: ANGPT1 is on the minus strand). VCF-style: chr8-107251972-C-T. GRCh37 (hg19) VCF-style: chr8-108264200-C-T.
Other names: c.1377G>A, p.Met459Ile (NM_001199859.3); c.780G>A, p.Met260Ile (NM_001314051.2); short protein forms M460I, M459I, M260I.
Identifiers: ClinVar variation 1525610 (VCV001525610.6), dbSNP rs200481277, ClinGen allele CA4841128.